The following is an entry in ClinVar:

NM_002049.4(GATA1):c.160A>T (p.Thr54Ser)

Gene: GATA1 (GATA binding protein 1; plus strand). Cytogenetic location: Xp11.23.
Variant type: single nucleotide variant.
Coding change: c.160A>T on transcript NM_002049.4 (MANE Select); coding-DNA position 160, A replaced by T.
Protein change: p.Thr54Ser; replaces threonine 54 with serine.
Molecular consequence: missense variant.
Genome position (GRCh38, 1-based): chrX:48,791,269, A>T. VCF-style: chrX-48791269-A-T. GRCh37 (hg19) VCF-style: chrX-48649676-A-T.
Other names: p.Thr54Ser; short protein forms T54S.
Identifiers: ClinVar variation 2044978 (VCV002044978.5), dbSNP rs2062674135, ClinGen allele CA412867113.

ClinVar aggregate classification (germline): Uncertain significance. Review status: criteria provided, multiple submitters, no conflicts (2 of 4 stars). 3 submissions from 3 submitters: Uncertain significance (3). Last evaluated 2025-06-03.

Conditions:
Inborn genetic diseases. Identifiers: MedGen C0950123, MeSH D030342.
Diamond-Blackfan anemia. Also called: Blackfan Diamond syndrome; Aregenerative anemia chronic congenital; Red cell aplasia, pure hereditary; Congenital hypoplastic anemia; Aase syndrome. Identifiers: Orphanet 124, MedGen C1260899, MeSH D029503, MONDO:0015253, HP:0004810.
GATA binding protein 1 related thrombocytopenia with dyserythropoiesis. Also called: GATA1-Related X-Linked Cytopenia; GATA1-Related Cytopenia. Identifiers: MedGen C1845837, MONDO:0100089.

Allele frequency attached by ClinVar (database versions not stated): gnomAD exomes below 0.00001; TOPMed 0.00001.
gnomAD v4.1: 1 of 1,207,038 alleles (0.000083%); highest among the groups gnomAD compares: Admixed American, 0.0022%; no homozygotes.

Submissions (3):

Mayo Clinic Laboratories, Mayo Clinic
Classification: Uncertain significance. Last evaluated: 2025-06-03. Review status: criteria provided, single submitter. Criteria: ACMG Guidelines, 2015. Collection method: clinical testing. Allele origin: germline. Observed: 1 variant allele.
Comment: BP4_moderate, PM2_supporting

Ambry Genetics
Classification: Uncertain significance for Inborn genetic diseases. Last evaluated: 2024-09-10. Review status: criteria provided, single submitter. Criteria: Ambry Variant Classification Scheme 2023. Collection method: clinical testing. Allele origin: germline.

Labcorp Genetics (formerly Invitae), Labcorp
Classification: Uncertain significance for GATA binding protein 1 related thrombocytopenia with dyserythropoiesis; Diamond-Blackfan anemia. Last evaluated: 2024-01-20. Review status: criteria provided, single submitter. Criteria: Invitae Variant Classification Sherloc (09022015). Collection method: clinical testing. Allele origin: germline.
Comment: This sequence change replaces threonine, which is neutral and polar, with serine, which is neutral and polar, at codon 54 of the GATA1 protein (p.Thr54Ser). This variant is not present in population databases (gnomAD no frequency). This variant has not been reported in the literature in individuals affected with GATA1-related conditions. ClinVar contains an entry for this variant (Variation ID: 2044978). Algorithms developed to predict the effect of missense changes on protein structure and function output the following: SIFT: "Not Available"; PolyPhen-2: "Benign"; Align-GVGD: "Not Available". The serine amino acid residue is found in multiple mammalian species, which suggests that this missense change does not adversely affect protein function. In summary, the available evidence is currently insufficient to determine the role of this variant in disease. Therefore, it has been classified as a Variant of Uncertain Significance.